The following is an entry in ClinVar:

NM_000243.3(MEFV):c.675G>C (p.Glu225Asp)

Gene: MEFV (MEFV innate immunity regulator, pyrin; minus strand). Cytogenetic location: 16p13.3.
Variant type: single nucleotide variant.
Coding change: c.675G>C on transcript NM_000243.3 (MANE Select); coding-DNA position 675, G replaced by C.
Protein change: p.Glu225Asp; replaces glutamic acid 225 with aspartic acid.
Molecular consequence: missense variant. On other transcripts: intron variant (1).
Genome position (GRCh38, 1-based): chr16:3,254,393, C>G on the plus strand (G>C on the coding strand, the complement: MEFV is on the minus strand). VCF-style: chr16-3254393-C-G. GRCh37 (hg19) VCF-style: chr16-3304393-C-G.
Other names: c.675G>C (NM_000243.2); c.277+1918G>C (NM_001198536.2); short protein forms E225D.
Identifiers: ClinVar variation 97536 (VCV000097536.7), dbSNP rs104895181, ClinGen allele CA280636.

ClinVar aggregate classification (germline): Uncertain significance. Review status: criteria provided, multiple submitters, no conflicts (2 of 4 stars). 3 submissions from 3 submitters: Uncertain significance (2). 1 of the submissions does not count toward it. Last evaluated 2024-10-29.

Conditions:
Familial Mediterranean fever (FMF). Also called: POLYSEROSITIS, FAMILIAL PAROXYSMAL; POLYSEROSITIS, RECURRENT; Periodic peritonitis; Benign paroxysmal peritonitis. Identifiers: Orphanet 342, MedGen C0031069, MONDO:0018088, OMIM 249100. Disease mechanism: gain of function.

Allele frequency attached by ClinVar (database versions not stated): TOPMed 0.00002; gnomAD exomes 0.00001 and 0.00003; gnomAD 0.00001.

Submissions (3):

Labcorp Genetics (formerly Invitae), Labcorp
Classification: Uncertain significance for Familial Mediterranean fever. Last evaluated: 2024-10-29. Review status: criteria provided, single submitter. Criteria: Invitae Variant Classification Sherloc (09022015). Collection method: clinical testing. Allele origin: germline.
Comment: This sequence change replaces glutamic acid, which is acidic and polar, with aspartic acid, which is acidic and polar, at codon 225 of the MEFV protein (p.Glu225Asp). This variant is present in population databases (rs104895181, gnomAD 0.002%). This missense change has been observed in individual(s) with clinical features of familial Mediterranean fever (PMID: 17594097, 22614345, 24718488). ClinVar contains an entry for this variant (Variation ID: 97536). An algorithm developed to predict the effect of missense changes on protein structure and function outputs the following: PolyPhen-2: "Benign". The aspartic acid amino acid residue is found in multiple mammalian species, which suggests that this missense change does not adversely affect protein function. In summary, the available evidence is currently insufficient to determine the role of this variant in disease. Therefore, it has been classified as a Variant of Uncertain Significance.

Revvity Omics, Revvity
Classification: Uncertain significance. Last evaluated: 2022-06-10. Review status: criteria provided, single submitter. Criteria: ACMG Guidelines, 2015. Collection method: clinical testing. Allele origin: germline.

Unité médicale des maladies autoinflammatoires, CHRU Montpellier
No classification provided. Condition: Familial Mediterranean fever. Review status: no classification provided. Collection method: not provided. Allele origin: unknown. Not counted in ClinVar's aggregate classification.

Literature cited by the submitters: PubMed 17594097 (cited by Labcorp Genetics (formerly Invitae), Labcorp); PubMed 22614345 (cited by Labcorp Genetics (formerly Invitae), Labcorp); PubMed 24718488 (cited by Labcorp Genetics (formerly Invitae), Labcorp).